The following is an entry in ClinVar:

NM_153766.3(KCNJ1):c.575T>G (p.Ile192Ser)

Gene: KCNJ1 (potassium inwardly rectifying channel subfamily J member 1; minus strand). Cytogenetic location: 11q24.3.
Variant type: single nucleotide variant.
Coding change: c.575T>G on transcript NM_153766.3 (MANE Select); coding-DNA position 575, T replaced by G.
Protein change: p.Ile192Ser; replaces isoleucine 192 with serine.
Molecular consequence: missense variant.
Genome position (GRCh38, 1-based): chr11:128,839,669, A>C on the plus strand (T>G on the coding strand, the complement: KCNJ1 is on the minus strand). VCF-style: chr11-128839669-A-C. GRCh37 (hg19) VCF-style: chr11-128709564-A-C.
Other names: c.632T>G, p.Ile211Ser (NM_000220.6); c.575T>G, p.Ile192Ser (NM_153764.3, NM_153767.4); c.626T>G, p.Ile209Ser (NM_153765.3); short protein forms I192S, I209S, I211S.
Identifiers: ClinVar variation 1804661 (VCV001804661.2), dbSNP rs2497569836, ClinGen allele CA383244723.
Genomic context (GRCh38, chr11:128,839,669, plus strand): 5'-AGAAGCTTTCCATAAATGTGACTGCCAATAAGAAGGCTCTTCCTGAGATTAGCCACTCGG[A>C]TTAGGAGGCAAAGCTTCCCTCCCCGTTTGCTGATCACTGCGTTCTTGCTGAACGTAATGG-3'
Protein context (NP_722450.1, residues 182-202): SKRGGKLCLL[Ile192Ser]RVANLRKSLL

ClinVar aggregate classification (germline): Uncertain significance (1 of 4 stars; one submission).

Allele frequency attached by ClinVar (database versions not stated): gnomAD exomes 0.00001.
gnomAD v4.1: 3 of 1,613,466 alleles (0.00019%); highest among the groups gnomAD compares: Non-Finnish European, 0.00025%; no homozygotes.

Submission:

Women's Health and Genetics/Laboratory Corporation of America, LabCorp
Classification: Uncertain significance. Last evaluated: 2024-07-24. Review status: criteria provided, single submitter. Criteria: LabCorp Variant Classification Summary - May 2015. Collection method: clinical testing. Allele origin: germline.
Comment: Variant summary: KCNJ1 c.632T>G (p.Ile211Ser) results in a non-conservative amino acid change located in the Inward rectifier potassium channel, C-terminal domain (IPR041647) of the encoded protein sequence. Five of five in-silico tools predict a damaging effect of the variant on protein function. The variant was absent in 248710 control chromosomes. The available data on variant occurrences in the general population are insufficient to allow any conclusion about variant significance. c.632T>G has been reported in the literature as compound heterozygous genotype in an individual affected with Bartter Syndrome, Type 2 (Sharma_2011). These data do not allow any conclusion about variant significance. To our knowledge, no experimental evidence demonstrating an impact on protein function has been reported. The following publication have been ascertained in the context of this evaluation (PMID: 21431899). ClinVar contains an entry for this variant (Variation ID: 1804661). Based on the evidence outlined above, the variant was classified as uncertain significance.

Literature cited by the submitters: PubMed 21431899.